The following is an entry in ClinVar:

NM_213595.4(ISCU):c.445G>A (p.Ala149Thr)

Gene: ISCU (iron-sulfur cluster assembly enzyme; plus strand). Cytogenetic location: 12q23.3.
Variant type: single nucleotide variant.
Coding change: c.445G>A on transcript NM_213595.4 (MANE Select); coding-DNA position 445, G replaced by A.
Protein change: p.Ala149Thr; replaces alanine 149 with threonine.
Molecular consequence: missense variant. On other transcripts: 3 prime UTR variant (3), non-coding transcript variant (1).
Genome position (GRCh38, 1-based): chr12:108,568,857, G>A. VCF-style: chr12-108568857-G-A. GRCh37 (hg19) VCF-style: chr12-108962633-G-A.
Other names: c.*66G>A (NM_001301140.1); c.*71G>A (NM_001301141.1); c.*1153G>A (NM_001320042.1); c.370G>A, p.Ala124Thr (NM_014301.4); c.445G>A (NM_213595.2); short protein forms A124T, A149T.
Identifiers: ClinVar variation 1192183 (VCV001192183.7), dbSNP rs750338671, ClinGen allele CA6768889.

ClinVar aggregate classification (germline): Uncertain significance. Review status: criteria provided, multiple submitters, no conflicts (2 of 4 stars). 3 submissions from 3 submitters: Uncertain significance (2). 1 of the submissions does not count toward it. Last evaluated 2024-04-09.

Conditions:
Myopathy. Identifiers: MedGen C0026848, MeSH D009135, MONDO:0005336, HP:0003198.

Allele frequency attached by ClinVar (database versions not stated): ExAC 0.00002; TOPMed 0.00003.
gnomAD v4.1: 12 of 1,613,324 alleles (0.00074%); highest among the groups gnomAD compares: African/African-American, 0.004%; no homozygotes.

Submissions (3):

GeneDx
Classification: Uncertain significance. Last evaluated: 2024-04-09. Review status: criteria provided, single submitter. Criteria: GeneDx Variant Classification Process June 2021. Collection method: clinical testing. Allele origin: germline. Affected: yes.
Comment: Not observed at significant frequency in large population cohorts (gnomAD); In silico analysis supports that this missense variant has a deleterious effect on protein structure/function; Has not been previously published as pathogenic or benign to our knowledge

Labcorp Genetics (formerly Invitae), Labcorp
Classification: Uncertain significance. Last evaluated: 2022-08-06. Review status: criteria provided, single submitter. Criteria: Invitae Variant Classification Sherloc (09022015). Collection method: clinical testing. Allele origin: germline.
Comment: In summary, the available evidence is currently insufficient to determine the role of this variant in disease. Therefore, it has been classified as a Variant of Uncertain Significance. Algorithms developed to predict the effect of missense changes on protein structure and function (SIFT, PolyPhen-2, Align-GVGD) all suggest that this variant is likely to be disruptive. ClinVar contains an entry for this variant (Variation ID: 1192183). This variant has not been reported in the literature in individuals affected with ISCU-related conditions. The frequency data for this variant in the population databases is considered unreliable, as metrics indicate poor data quality at this position in the gnomAD database. This sequence change replaces alanine, which is neutral and non-polar, with threonine, which is neutral and polar, at codon 149 of the ISCU protein (p.Ala149Thr).

Institute of Human Genetics, University of Wuerzburg
Classification: Uncertain significance for Myopathy. Review status: no assertion criteria provided. Collection method: clinical testing. Allele origin: unknown. Not counted in ClinVar's aggregate classification.